The following continues an entry in ClinVar:

NM_000492.4(CFTR):c.695T>A (p.Val232Asp)

Gene: CFTR. ClinVar aggregate classification (germline): Pathogenic. Pathogenic (1).

Submissions 7 to 22 of 22:

Fulgent Genetics
Classification: Pathogenic for Hereditary pancreatitis; Bronchiectasis with or without elevated sweat chloride 1; Cystic fibrosis; Congenital bilateral aplasia of vas deferens from CFTR mutation. Last evaluated: 2024-04-05. Review status: criteria provided, single submitter. Criteria: ACMG Guidelines, 2015. Collection method: clinical testing. Allele origin: germline. Not counted in ClinVar's aggregate classification.

Baylor Genetics
Classification: Pathogenic for Bronchiectasis with or without elevated sweat chloride 1. Last evaluated: 2024-03-21. Review status: criteria provided, single submitter. Criteria: ACMG Guidelines, 2015. Collection method: clinical testing. Allele origin: unknown. Not counted in ClinVar's aggregate classification.

Institute of Human Genetics, University of Leipzig Medical Center
Classification: Pathogenic for Cystic fibrosis. Last evaluated: 2022-09-05. Review status: criteria provided, single submitter. Criteria: ACMG Guidelines, 2015. Collection method: curation. Allele origin: unknown. Affected: yes. Observed: 1 variant allele. Not counted in ClinVar's aggregate classification.
Comment: The variant was classified in the context of a project re-classifying variants in the German Cystic Fibrosis Registry (Muko.e.V.). Criteria applied: PS3, PM2_SUP, PM3_VSTR, PP3, PP4

Mayo Clinic Laboratories, Mayo Clinic
Classification: Pathogenic. Last evaluated: 2022-06-28. Review status: criteria provided, single submitter. Criteria: ACMG Guidelines, 2015. Collection method: clinical testing. Allele origin: germline. Observed: 1 variant allele. Not counted in ClinVar's aggregate classification.
Comment: PM3_very_strong, PS3

CeGaT Center for Human Genetics Tuebingen
Classification: Pathogenic. Last evaluated: 2021-02-01. Review status: criteria provided, single submitter. Criteria: CeGaT Center For Human Genetics Tuebingen Variant Classification Criteria Version 2. Collection method: clinical testing. Allele origin: germline. Affected: yes. Observed: 2 variant alleles. Not counted in ClinVar's aggregate classification.

Johns Hopkins Genomics, Johns Hopkins University
Classification: Pathogenic for Cystic fibrosis. Last evaluated: 2020-01-12. Review status: criteria provided, single submitter. Criteria: ACMG Guidelines, 2015. Collection method: clinical testing. Allele origin: germline. Not counted in ClinVar's aggregate classification.
Comment: Previously reported disease-causing CFTR variant. See CFTR2 for phenotype information.

Quest Diagnostics Nichols Institute San Juan Capistrano
Classification: Pathogenic. Last evaluated: 2019-08-13. Review status: criteria provided, single submitter. Criteria: Quest Diagnostics criteria. Collection method: clinical testing. Allele origin: germline. Not counted in ClinVar's aggregate classification.
Comment: The best available variant frequency is uninformative. Found in at least one symptomatic patient. Predicted to have a damaging effect on the protein. Occurs in multiple cases with a recessive pathogenic variant in the same gene. Assessment of experimental evidence suggests this variant results in abnormal protein function.

Genome Diagnostics Laboratory, The Hospital for Sick Children
Classification: Pathogenic for Cystic fibrosis. Last evaluated: 2019-07-23. Review status: criteria provided, single submitter. Criteria: ACMG Guidelines, 2015. Collection method: clinical testing. Allele origin: germline. Not counted in ClinVar's aggregate classification.

Mendelics
Classification: Pathogenic for Cystic fibrosis. Last evaluated: 2018-11-05. Review status: criteria provided, single submitter. Criteria: Mendelics Assertion Criteria 2017. Collection method: clinical testing. Allele origin: unknown. Affected: yes. Not counted in ClinVar's aggregate classification.

Eurofins Ntd Llc (ga)
Classification: Pathogenic. Last evaluated: 2018-04-04. Review status: criteria provided, single submitter. Criteria: EGL ClinVar v180209 classification definitions. Collection method: clinical testing. Allele origin: germline. Observed: 1 variant allele, 1 heterozygote. Not counted in ClinVar's aggregate classification.

Women's Health and Genetics/Laboratory Corporation of America, LabCorp
Classification: Pathogenic. Last evaluated: 2018-02-26. Review status: criteria provided, single submitter. Criteria: LabCorp Variant Classification Summary - May 2015. Collection method: clinical testing. Allele origin: germline. Not counted in ClinVar's aggregate classification.
Comment: Variant summary: CFTR c.695T>A (p.Val232Asp) results in a non-conservative amino acid change in the ABC transporter type 1, transmembrane domain in the encoded protein sequence. Five of five in-silico tools predict a damaging effect of the variant on protein function. The variant allele was found at a frequency of 2e-05 in 246160 control chromosomes. This frequency is not higher than expected for a pathogenic variant in CFTR causing non-classic Cystic Fibrosis (2e-05 vs 0.013), allowing no conclusion about variant significance. The c.695T>A variant has been reported in the literature in numerous individuals affected with Cystic Fibrosis and non-classic Cystic Fibrosis, including CBAVD. These data indicate that the variant is very likely to be associated with disease. Multiple publications report experimental evidence evaluating an impact on protein function. The most pronounced variant effect results in <10% of normal activity. One clinical diagnostic laboratory has submitted clinical-significance assessments for this variant to ClinVar after 2014 without evidence for independent evaluation, classifying the variant as likely pathogenic. Based on the evidence outlined above, the variant was classified as pathogenic.

CFTR-France
Classification: Pathogenic for cystic fibrosis; CFTR-related disorders. Last evaluated: 2018-01-29. Review status: criteria provided, single submitter. Criteria: Claustres M et al. (Hum Mutat 2017). Collection method: curation. Allele origin: germline. Affected: yes. Not counted in ClinVar's aggregate classification.
Comment: when the variant is in trans with another CF-causing variation, can either result in CF or in a CFTR-RD

Baylor Genetics
Classification: Likely pathogenic for Congenital bilateral aplasia of vas deferens from CFTR mutation; Cystic fibrosis. Review status: criteria provided, single submitter. Criteria: ACMG Guidelines, 2015. Collection method: clinical testing. Allele origin: germline. Not counted in ClinVar's aggregate classification.

Genome Diagnostics Laboratory, The Hospital for Sick Children
Classification: Pathogenic for CFTR-related disorders. Last evaluated: 2019-07-23. Review status: no assertion criteria provided. Collection method: clinical testing. Allele origin: germline. Not counted in ClinVar's aggregate classification.

Counsyl
Classification: Likely pathogenic for Cystic fibrosis. Last evaluated: 2015-11-25. Review status: no assertion criteria provided. Collection method: clinical testing. Allele origin: unknown. Not counted in ClinVar's aggregate classification.

Baylor Genetics
Classification: Pathogenic for Cystic fibrosis. Review status: no assertion criteria provided. Collection method: clinical testing. Allele origin: unknown. Not counted in ClinVar's aggregate classification.

Literature cited by the submitters: PubMed 10794365 (cited by 5 submitters); PubMed 10875853 (cited by Labcorp Genetics (formerly Invitae), Labcorp and Women's Health and Genetics/Laboratory Corporation of America, LabCorp); PubMed 16980811 (cited by 3 submitters); PubMed 17329263 (cited by Labcorp Genetics (formerly Invitae), Labcorp); PubMed 21909392 (cited by Labcorp Genetics (formerly Invitae), Labcorp); PubMed 27086061 (cited by Labcorp Genetics (formerly Invitae), Labcorp and Natera, Inc.); PubMed 2441227 (cited by Labcorp Genetics (formerly Invitae), Labcorp); PubMed 11427889 (cited by 4 submitters); PubMed 17516627 (cited by Labcorp Genetics (formerly Invitae), Labcorp); PubMed 17949679 (cited by Labcorp Genetics (formerly Invitae), Labcorp and Women's Health and Genetics/Laboratory Corporation of America, LabCorp); PubMed 19625452 (cited by Labcorp Genetics (formerly Invitae), Labcorp and Counsyl); PubMed 21996038 (cited by Labcorp Genetics (formerly Invitae), Labcorp and Baylor Genetics); PubMed 15772171 (cited by Natera, Inc.); PubMed 12865275 (cited by Natera, Inc. and Women's Health and Genetics/Laboratory Corporation of America, LabCorp); PubMed 24412276 (cited by 3 submitters); PubMed 15480987 (cited by 3 submitters); PubMed 21642448 (cited by 3 submitters); PubMed 23951356 (cited by 3 submitters); PubMed 9439669 (cited by 3 submitters); PubMed 9736775 (cited by Ambry Genetics and Women's Health and Genetics/Laboratory Corporation of America, LabCorp); PubMed 7534748 (cited by Quest Diagnostics Nichols Institute San Juan Capistrano); PubMed 25087612 (cited by Quest Diagnostics Nichols Institute San Juan Capistrano); PubMed 15486385 (cited by Quest Diagnostics Nichols Institute San Juan Capistrano); PubMed 17331079 (cited by Women's Health and Genetics/Laboratory Corporation of America, LabCorp and Counsyl); PubMed 11888281 (cited by Women's Health and Genetics/Laboratory Corporation of America, LabCorp); PubMed 19181854 (cited by Women's Health and Genetics/Laboratory Corporation of America, LabCorp); PubMed 23924900 (cited by Women's Health and Genetics/Laboratory Corporation of America, LabCorp); PubMed 22138447 (cited by Counsyl); PubMed 20059485 (cited by Counsyl); PubMed 25192979 (cited by Counsyl); PubMed 23670503 (cited by Counsyl); PubMed 22658665 (cited by Counsyl and Baylor Genetics); PubMed 10923036 (cited by Counsyl); PubMed 23687349 (cited by Counsyl); PubMed 18456578 (cited by Baylor Genetics).